The following is an entry in ClinVar:

NM_001267550.2(TTN):c.67139T>C (p.Ile22380Thr)

Genes: TTN (titin; minus strand), TTN-AS1 (TTN antisense RNA 1; plus strand). Cytogenetic location: 2q31.2.
Variant type: single nucleotide variant.
Coding change: c.67139T>C on transcript NM_001267550.2 (MANE Select); coding-DNA position 67139, T replaced by C.
Protein change: p.Ile22380Thr; replaces isoleucine 22380 with threonine.
Molecular consequence: missense variant.
Genome position (GRCh38, 1-based): chr2:178,580,148, A>G on the plus strand (T>C on the coding strand, the complement: TTN is on the minus strand). VCF-style: chr2-178580148-A-G. GRCh37 (hg19) VCF-style: chr2-179444875-A-G.
Other names: c.62216T>C, p.Ile20739Thr (NM_001256850.1); c.39944T>C, p.Ile13315Thr (NM_003319.4); c.59435T>C, p.Ile19812Thr (NM_133378.4); c.40319T>C, p.Ile13440Thr (NM_133432.3); c.40520T>C, p.Ile13507Thr (NM_133437.4); short protein forms I13315T, I13440T, I13507T, I19812T, I20739T, I22380T.
Identifiers: ClinVar variation 4821467 (VCV004821467.5).
Genomic context (GRCh38, chr2:178,580,148, plus strand): 5'-GATTTCCTCTCTGCATCACGTTTTTGTACCACATAGTTTATGATGGGGCTTCCGCCATCA[A>G]TAATGGGAGGCTCCCAGGTAACATAAGCAGAGTCTTTGGATATTTCCTTAACAGTCACAT-3'
Protein context (NP_001254479.2, residues 22370-22390): SAYVTWEPPI[Ile22380Thr]DGGSPIINYV

ClinVar aggregate classification (germline): Uncertain significance. Review status: criteria provided, multiple submitters, no conflicts (2 of 4 stars). 2 submissions from 2 submitters: Uncertain significance (2). Last evaluated 2026-03-01.

Conditions:
TTN-related disorder. Also called: TTN-related disorders; TTN-related condition; TTN-related disease.

gnomAD v4.1: 30 of 1,613,214 alleles (0.0019%); highest among the groups gnomAD compares: African/African-American, 0.004%; no homozygotes.

Submissions (2):

CeGaT Center for Human Genetics Tuebingen
Classification: Uncertain significance. Last evaluated: 2026-03-01. Review status: criteria provided, single submitter. Criteria: CeGaT Center For Human Genetics Tuebingen Variant Classification Criteria Version 2. Collection method: clinical testing. Allele origin: germline. Affected: yes. Observed: 1 variant allele.
Comment: TTN: PM2

PreventionGenetics, part of Exact Sciences
Classification: Uncertain significance for TTN-related condition. Last evaluated: 2025-06-24. Review status: criteria provided, single submitter. Criteria: ACMG Guidelines, 2015. Collection method: clinical testing. Allele origin: germline.
Comment: The TTN c.67139T>C variant is predicted to result in the amino acid substitution p.Ile22380Thr. To our knowledge, this variant has not been reported in the literature. This variant is reported in 0.0033% of alleles in individuals of South Asian descent in gnomAD. At this time, the clinical significance of this variant is uncertain due to the absence of conclusive functional and genetic evidence.